The following is an entry in ClinVar:

ClinVar aggregate classification (germline): Uncertain significance (1 of 4 stars; one submission).

Conditions:
Evans syndrome, immunodeficiency, and premature immunosenescence associated with tripeptidyl-peptidase II deficiency. Identifiers: MedGen CN231723. Disease mechanism: loss of function.

Allele frequency attached by ClinVar (database versions not stated): ExAC 0.00001; TOPMed 0.00001; gnomAD 0.00002; 1000 Genomes Project 0.00020; 1000 Genomes Project 30x 0.00031.
gnomAD v4.1: 15 of 1,590,396 alleles (0.00094%); highest among the groups gnomAD compares: South Asian, 0.0093%; no homozygotes.

Submission:

Labcorp Genetics (formerly Invitae), Labcorp
Classification: Uncertain significance for Evans syndrome, immunodeficiency, and premature immunosenescence associated with tripeptidyl-peptidase II deficiency. Last evaluated: 2021-08-27. Review status: criteria provided, single submitter. Criteria: Invitae Variant Classification Sherloc (09022015). Collection method: clinical testing. Allele origin: germline.
Comment: This sequence change replaces proline with serine at codon 995 of the TPP2 protein (p.Pro995Ser). The proline residue is highly conserved and there is a moderate physicochemical difference between proline and serine. This variant is present in population databases (rs556619994, ExAC 0.006%). This variant has not been reported in the literature in individuals affected with TPP2-related conditions. Algorithms developed to predict the effect of missense changes on protein structure and function output the following: SIFT: "Tolerated"; PolyPhen-2: "Benign"; Align-GVGD: "Class C0". The serine amino acid residue is found in multiple mammalian species, which suggests that this missense change does not adversely affect protein function. In summary, the available evidence is currently insufficient to determine the role of this variant in disease. Therefore, it has been classified as a Variant of Uncertain Significance.

NM_001330588.2(TPP2):c.3022C>T (p.Pro1008Ser)

Gene: TPP2 (tripeptidyl peptidase 2; plus strand). Cytogenetic location: 13q33.1.
Variant type: single nucleotide variant.
Coding change: c.3022C>T on transcript NM_001330588.2 (MANE Select); coding-DNA position 3022, C replaced by T.
Protein change: p.Pro1008Ser; replaces proline 1008 with serine.
Molecular consequence: missense variant. On other transcripts: non-coding transcript variant (1).
Genome position (GRCh38, 1-based): chr13:102,657,086, C>T. VCF-style: chr13-102657086-C-T. GRCh37 (hg19) VCF-style: chr13-103309436-C-T.
Other names: c.2983C>T, p.Pro995Ser (NM_001367947.1, NM_003291.4); short protein forms P1008S, P995S.
Identifiers: ClinVar variation 1427667 (VCV001427667.5), dbSNP rs556619994, ClinGen allele CA7038174.